The following is an entry in ClinVar:

ClinVar aggregate classification (germline): Uncertain significance (1 of 4 stars; one submission).

Conditions:
Charcot-Marie-Tooth disease type 2. Also called: Charcot-Marie-Tooth type 2. Identifiers: Orphanet 64746, MedGen C0270914, MONDO:0018993.

Allele frequency attached by ClinVar (database versions not stated): gnomAD exomes below 0.00001; TOPMed below 0.00001.

Submission:

Labcorp Genetics (formerly Invitae), Labcorp
Classification: Uncertain significance for Charcot-Marie-Tooth disease type 2. Last evaluated: 2024-09-30. Review status: criteria provided, single submitter. Criteria: Invitae Variant Classification Sherloc (09022015). Collection method: clinical testing. Allele origin: germline.
Comment: This sequence change replaces glycine, which is neutral and non-polar, with serine, which is neutral and polar, at codon 228 of the AARS protein (p.Gly228Ser). This variant is not present in population databases (gnomAD no frequency). This variant has not been reported in the literature in individuals affected with AARS-related conditions. Invitae Evidence Modeling of protein sequence and biophysical properties (such as structural, functional, and spatial information, amino acid conservation, physicochemical variation, residue mobility, and thermodynamic stability) indicates that this missense variant is not expected to disrupt AARS protein function with a negative predictive value of 95%. In summary, the available evidence is currently insufficient to determine the role of this variant in disease. Therefore, it has been classified as a Variant of Uncertain Significance.

NM_001605.3(AARS1):c.682G>A (p.Gly228Ser)

Gene: AARS1 (alanyl-tRNA synthetase 1; minus strand). Cytogenetic location: 16q22.1.
Variant type: single nucleotide variant.
Coding change: c.682G>A on transcript NM_001605.3 (MANE Select); coding-DNA position 682, G replaced by A.
Protein change: p.Gly228Ser; replaces glycine 228 with serine.
Molecular consequence: missense variant.
Genome position (GRCh38, 1-based): chr16:70,270,330, C>T on the plus strand (G>A on the coding strand, the complement: AARS1 is on the minus strand). VCF-style: chr16-70270330-C-T. GRCh37 (hg19) VCF-style: chr16-70304233-C-T.
Other names: short protein forms G228S.
Identifiers: ClinVar variation 2918835 (VCV002918835.3), dbSNP rs1960369442, ClinGen allele CA396565681.